The following is an entry in ClinVar:

NM_004304.5(ALK):c.4547C>T (p.Thr1516Ile)

Gene: ALK (ALK receptor tyrosine kinase; minus strand). Cytogenetic location: 2p23.2.
Variant type: single nucleotide variant.
Coding change: c.4547C>T on transcript NM_004304.5 (MANE Select); coding-DNA position 4547, C replaced by T.
Protein change: p.Thr1516Ile; replaces threonine 1516 with isoleucine.
Molecular consequence: missense variant.
Genome position (GRCh38, 1-based): chr2:29,193,540, G>A on the plus strand (C>T on the coding strand, the complement: ALK is on the minus strand). VCF-style: chr2-29193540-G-A. GRCh37 (hg19) VCF-style: chr2-29416406-G-A.
Other names: c.1343C>T, p.Thr448Ile (NM_001353765.2); short protein forms T1516I, T448I.
Identifiers: ClinVar variation 940646 (VCV000940646.10), dbSNP rs1668936237, ClinGen allele CA346460823.

ClinVar aggregate classification (germline): Uncertain significance. Review status: criteria provided, multiple submitters, no conflicts (2 of 4 stars). 2 submissions from 2 submitters: Uncertain significance (2). Last evaluated 2026-08-23.

Conditions:
Hereditary cancer-predisposing syndrome. Also called: Neoplastic Syndromes, Hereditary; Hereditary Cancer Syndrome; Tumor predisposition; Hereditary neoplastic syndrome. Identifiers: Orphanet 140162, MedGen C0027672, MeSH D009386, MONDO:0015356.
Neuroblastoma, susceptibility to, 3. Also called: ALK-Related Neuroblastic Tumor Susceptibility. Identifiers: Orphanet 635, MedGen C2751681, MONDO:0013083, OMIM 613014.

Submissions (2):

Ambry Genetics
Classification: Uncertain significance for Hereditary cancer-predisposing syndrome. Last evaluated: 2026-08-23. Review status: criteria provided, single submitter. Criteria: Ambry Variant Classification Scheme 2023. Collection method: clinical testing. Allele origin: germline.
Comment: The p.T1516I variant (also known as c.4547C>T), located in coding exon 29 of the ALK gene, results from a C to T substitution at nucleotide position 4547. The threonine at codon 1516 is replaced by isoleucine, an amino acid with similar properties. This amino acid position is conserved. In addition, this alteration is predicted to be tolerated by in silico analysis. Based on the available evidence, the clinical significance of this variant remains unclear.

Labcorp Genetics (formerly Invitae), Labcorp
Classification: Uncertain significance for Neuroblastoma, susceptibility to, 3. Last evaluated: 2025-11-17. Review status: criteria provided, single submitter. Criteria: Invitae Variant Classification Sherloc (09022015). Collection method: clinical testing. Allele origin: germline.
Comment: This sequence change replaces threonine, which is neutral and polar, with isoleucine, which is neutral and non-polar, at codon 1516 of the ALK protein (p.Thr1516Ile). This variant is not present in population databases (gnomAD no frequency). This variant has not been reported in the literature in individuals affected with ALK-related conditions. ClinVar contains an entry for this variant (Variation ID: 940646). An algorithm developed to predict the effect of missense changes on protein structure and function (PolyPhen-2) suggests that this variant is likely to be tolerated. In summary, the available evidence is currently insufficient to determine the role of this variant in disease. Therefore, it has been classified as a Variant of Uncertain Significance.